The following is an entry in ClinVar:

ClinVar aggregate classification (germline): Uncertain significance. Review status: criteria provided, multiple submitters, no conflicts (2 of 4 stars). 2 submissions from 2 submitters: Uncertain significance (2). Last evaluated 2025-10-02.

gnomAD v4.1: 40 of 1,609,994 alleles (0.0025%); highest among the groups gnomAD compares: Non-Finnish European, 0.0034%; no homozygotes.

Submissions (2):

Labcorp Genetics (formerly Invitae), Labcorp
Classification: Uncertain significance. Last evaluated: 2025-10-02. Review status: criteria provided, single submitter. Criteria: Invitae Variant Classification Sherloc (09022015). Collection method: clinical testing. Allele origin: germline.
Comment: This sequence change replaces glutamic acid, which is acidic and polar, with lysine, which is basic and polar, at codon 732 of the ITSN2 protein (p.Glu732Lys). This variant is present in population databases (no rsID available, gnomAD 0.002%). This variant has not been reported in the literature in individuals affected with ITSN2-related conditions. An algorithm developed to predict the effect of missense changes on protein structure and function outputs the following: PolyPhen-2: "Not Available". The lysine amino acid residue is found in multiple mammalian species, which suggests that this missense change does not adversely affect protein function. In summary, the available evidence is currently insufficient to determine the role of this variant in disease. Therefore, it has been classified as a Variant of Uncertain Significance.

Ambry Genetics
Classification: Uncertain significance. Last evaluated: 2025-08-02. Review status: criteria provided, single submitter. Criteria: Ambry Variant Classification Scheme 2023. Collection method: clinical testing. Allele origin: germline.

NM_006277.3(ITSN2):c.2194G>A (p.Glu732Lys)

Gene: ITSN2 (intersectin 2; minus strand). Cytogenetic location: 2p23.3.
Variant type: single nucleotide variant.
Coding change: c.2194G>A on transcript NM_006277.3 (MANE Select); coding-DNA position 2194, G replaced by A.
Protein change: p.Glu732Lys; replaces glutamic acid 732 with lysine.
Molecular consequence: missense variant.
Genome position (GRCh38, 1-based): chr2:24,271,829, C>T on the plus strand (G>A on the coding strand, the complement: ITSN2 is on the minus strand). VCF-style: chr2-24271829-C-T. GRCh37 (hg19) VCF-style: chr2-24494698-C-T.
Other names: c.2152G>A, p.Glu718Lys (NM_001348181.2); c.2113G>A, p.Glu705Lys (NM_001348182.2, NM_001348183.2, NM_001348186.2 and 1 more transcripts); c.2071G>A, p.Glu691Lys (NM_001348184.2); c.2194G>A, p.Glu732Lys (NM_001348185.2, NM_147152.3); short protein forms E705K, E718K, E691K, E732K.
Identifiers: ClinVar variation 4088998 (VCV004088998.2).